The following is an entry in ClinVar:

NM_000093.5(COL5A1):c.3690+1G>T

Gene: COL5A1 (collagen type V alpha 1 chain; plus strand). Cytogenetic location: 9q34.3.
Variant type: single nucleotide variant.
Coding change: c.3690+1G>T on transcript NM_000093.5 (MANE Select); the canonical splice donor site of the intron after coding-DNA position 3690, G replaced by T.
Molecular consequence: splice donor variant.
Genome position (GRCh38, 1-based): chr9:134,811,600, G>T. VCF-style: chr9-134811600-G-T. GRCh37 (hg19) VCF-style: chr9-137703446-G-T.
Other names: c.3690+1G>T (NM_001278074.1).
Identifiers: ClinVar variation 4281510 (VCV004281510.7).

ClinVar aggregate classification (germline): Likely pathogenic (1 of 4 stars; one submission).

Submission:

CeGaT Center for Human Genetics Tuebingen
Classification: Likely pathogenic. Last evaluated: 2025-09-01. Review status: criteria provided, single submitter. Criteria: CeGaT Center For Human Genetics Tuebingen Variant Classification Criteria Version 2. Collection method: clinical testing. Allele origin: germline. Affected: yes. Observed: 1 variant allele.
Comment: COL5A1: PVS1:Strong, PM2